The following is an entry in ClinVar:

NM_005228.5(EGFR):c.1975G>A (p.Val659Met)

Gene: EGFR (epidermal growth factor receptor; plus strand). Cytogenetic location: 7p11.2.
Variant type: single nucleotide variant.
Coding change: c.1975G>A on transcript NM_005228.5 (MANE Select); coding-DNA position 1975, G replaced by A.
Protein change: p.Val659Met; replaces valine 659 with methionine.
Molecular consequence: missense variant.
Genome position (GRCh38, 1-based): chr7:55,173,038, G>A. VCF-style: chr7-55173038-G-A. GRCh37 (hg19) VCF-style: chr7-55240731-G-A.
Other names: c.1840G>A, p.Val614Met (NM_001346897.2, NM_001346899.2); c.1975G>A, p.Val659Met (NM_001346898.2); c.1816G>A, p.Val606Met (NM_001346900.2); c.1174G>A, p.Val392Met (NM_001346941.2); short protein forms V392M, V614M, V606M, V659M.
Identifiers: ClinVar variation 1973618 (VCV001973618.6), dbSNP rs201580890, ClinGen allele CA367583040.

ClinVar aggregate classification (germline): Uncertain significance. Review status: criteria provided, multiple submitters, no conflicts (2 of 4 stars). 2 submissions from 2 submitters: Uncertain significance (2). Last evaluated 2025-05-16.

Conditions:
Hereditary cancer-predisposing syndrome. Also called: Hereditary Cancer Syndrome; Neoplastic Syndromes, Hereditary; Tumor predisposition; Hereditary neoplastic syndrome. Identifiers: Orphanet 140162, MedGen C0027672, MeSH D009386, MONDO:0015356.
EGFR-related lung cancer (EGFR). Identifiers: MedGen CN130014.

Submissions (2):

Ambry Genetics
Classification: Uncertain significance for Hereditary cancer-predisposing syndrome. Last evaluated: 2025-05-16. Review status: criteria provided, single submitter. Criteria: Ambry Variant Classification Scheme 2023. Collection method: clinical testing. Allele origin: germline.
Comment: The p.V659M variant (also known as c.1975G>A), located in coding exon 17 of the EGFR gene, results from a G to A substitution at nucleotide position 1975. The valine at codon 659 is replaced by methionine, an amino acid with highly similar properties. This amino acid position is not well conserved in available vertebrate species. In addition, this alteration is predicted to be tolerated by in silico analysis. Based on the available evidence, the clinical significance of this variant remains unclear.

Labcorp Genetics (formerly Invitae), Labcorp
Classification: Uncertain significance for EGFR-related lung cancer. Last evaluated: 2025-02-27. Review status: criteria provided, single submitter. Criteria: Invitae Variant Classification Sherloc (09022015). Collection method: clinical testing. Allele origin: germline.
Comment: This sequence change replaces valine, which is neutral and non-polar, with methionine, which is neutral and non-polar, at codon 659 of the EGFR protein (p.Val659Met). This variant is not present in population databases (gnomAD no frequency). This variant has not been reported in the literature in individuals affected with EGFR-related conditions. ClinVar contains an entry for this variant (Variation ID: 1973618). Invitae Evidence Modeling of protein sequence and biophysical properties (such as structural, functional, and spatial information, amino acid conservation, physicochemical variation, residue mobility, and thermodynamic stability) indicates that this missense variant is not expected to disrupt EGFR protein function with a negative predictive value of 80%. In summary, the available evidence is currently insufficient to determine the role of this variant in disease. Therefore, it has been classified as a Variant of Uncertain Significance.